The following is an entry in ClinVar:

ClinVar aggregate classification (germline): Uncertain significance (1 of 4 stars; one submission).

Conditions:
Neurodevelopmental disorder with hypotonia, dysmorphic facies, and skeletal anomalies, with or without seizures (NEDFSS). Also called: TRPM3-Related Neurodevelopmental Disorder. Identifiers: MedGen C5830244, MONDO:0859365, OMIM 620224.

Submission:

Victorian Clinical Genetics Services, Murdoch Childrens Research Institute
Classification: Uncertain significance for Neurodevelopmental disorder with hypotonia, dysmorphic facies, and skeletal anomalies, with or without seizures. Last evaluated: 2025-05-28. Review status: criteria provided, single submitter. Criteria: ACMG Guidelines, 2015. Collection method: clinical testing. Allele origin: germline. Affected: yes.
Comment: This variant is classified as VUS-3B. Evidence in support of pathogenic classification: Variant is absent from gnomAD (v2, v3 and v4); Missense variant predicted to be damaging by in silico tool(s) or highly conserved with a major amino acid change. Additional information: Variant is predicted to result in a missense amino acid change from arginine to glycine; This variant is heterozygous; This gene is associated with autosomal dominant disease; Alternative amino acid change(s) at the same position are present in gnomAD (highest allele count: v4: 2 heterozygote(s), 0 homozygote(s)); This variant has no previous evidence of pathogenicity; No published segregation evidence has been identified for this variant; No published functional evidence has been identified for this variant; No comparable missense variants have previous evidence for pathogenicity; Variant is not located in an established domain, motif, hotspot or informative constraint region; Gain of function is a known mechanism of disease in this gene and is associated with neurodevelopmental disorder with hypotonia, dysmorphic facies, and skeletal anomalies, with or without seizures (MIM#620224). Missense variants have been functionally proven to increase basal function and intracellular calcium levels (PMID: 32427099); Variants in this gene are known to have variable expressivity. Variable phenotype, including inheritance from mildly affected parents, has been described (OMIM, PMID: 36648066).

Literature cited by the submitters: PubMed 32427099; PubMed 36648066.

NM_001366145.2(TRPM3):c.2560A>G (p.Arg854Gly)

Gene: TRPM3 (transient receptor potential cation channel subfamily M member 3; minus strand). Cytogenetic location: 9q21.12.
Variant type: single nucleotide variant.
Coding change: c.2560A>G on transcript NM_001366145.2 (MANE Select); coding-DNA position 2560, A replaced by G.
Protein change: p.Arg854Gly; replaces arginine 854 with glycine.
Molecular consequence: missense variant.
Genome position (GRCh38, 1-based): chr9:70,610,716, T>C on the plus strand (A>G on the coding strand, the complement: TRPM3 is on the minus strand). VCF-style: chr9-70610716-T-C. GRCh37 (hg19) VCF-style: chr9-73225632-T-C.
Other names: c.2524A>G, p.Arg842Gly (NM_001007471.4, NM_001366151.2); c.2530A>G, p.Arg844Gly (NM_001366141.2, NM_001366143.2, NM_001366149.2); c.2566A>G, p.Arg856Gly (NM_001366142.2); c.2560A>G, p.Arg854Gly (NM_001366146.2); c.2635A>G, p.Arg879Gly (NM_001366147.2, NM_001366152.2); c.2605A>G, p.Arg869Gly (NM_001366148.2); c.2494A>G, p.Arg832Gly (NM_001366150.2); c.2101A>G, p.Arg701Gly (NM_001366154.2, NM_024971.7); and 5 more; short protein forms R679G, R689G, R691G, R701G, R704G, R714G, R832G, R842G.
Identifiers: ClinVar variation 4532128 (VCV004532128.1).